The following is an entry in ClinVar:

ClinVar aggregate classification (germline): Uncertain significance (1 of 4 stars; one submission).

Conditions:
PURA-related severe neonatal hypotonia-seizures-encephalopathy syndrome (NEDRIHF). Also called: PURA-Related Neurodevelopmental Disorders; NEURODEVELOPMENTAL DISORDER WITH NEONATAL RESPIRATORY INSUFFICIENCY, HYPOTONIA, AND FEEDING DIFFICULTIES. Identifiers: Orphanet 438213, Orphanet 438216, MedGen C4015357, MONDO:1060108, OMIM 616158, MONDO:0018580.

gnomAD v4.1: 1 of 1,611,854 alleles (0.000062%); highest among the groups gnomAD compares: African/African-American, 0.0013%; no homozygotes.

Submission:

Labcorp Genetics (formerly Invitae), Labcorp
Classification: Uncertain significance for PURA-related severe neonatal hypotonia-seizures-encephalopathy syndrome. Last evaluated: 2024-04-24. Review status: criteria provided, single submitter. Criteria: Invitae Variant Classification Sherloc (09022015). Collection method: clinical testing. Allele origin: germline.
Comment: This sequence change affects codon 162 of the PURA mRNA. It is a 'silent' change, meaning that it does not change the encoded amino acid sequence of the PURA protein. This variant is not present in population databases (gnomAD no frequency). This variant has not been reported in the literature in individuals affected with PURA-related conditions. In summary, the available evidence is currently insufficient to determine the role of this variant in disease. Therefore, it has been classified as a Variant of Uncertain Significance.

NM_005859.5(PURA):c.486C>T (p.Asn162=)

Gene: PURA (purine rich element binding protein A; plus strand). Cytogenetic location: 5q31.3.
Variant type: single nucleotide variant.
Coding change: c.486C>T on transcript NM_005859.5 (MANE Select); coding-DNA position 486, C replaced by T.
Protein change: p.Asn162=; no amino-acid change (asparagine 162 retained).
Molecular consequence: synonymous variant.
Genome position (GRCh38, 1-based): chr5:140,114,667, C>T. VCF-style: chr5-140114667-C-T. GRCh37 (hg19) VCF-style: chr5-139494252-C-T.
Identifiers: ClinVar variation 3674781 (VCV003674781.2).